The following is an entry in ClinVar:

ClinVar aggregate classification (germline): Uncertain significance. Review status: criteria provided, multiple submitters, no conflicts (2 of 4 stars). 3 submissions from 3 submitters: Uncertain significance (2). 1 of the submissions does not count toward it. Last evaluated 2026-06-15.

Conditions:
BBS4-related disorder. Also called: BBS4-related condition.
Bardet-Biedl syndrome (BBS). Identifiers: Orphanet 110, MedGen C0752166, MONDO:0015229.

gnomAD v4.1: 6 of 1,613,938 alleles (0.00037%); highest among the groups gnomAD compares: African/African-American, 0.0067%; no homozygotes.

Submissions (3):

Women's Health and Genetics/Laboratory Corporation of America, LabCorp
Classification: Uncertain significance. Last evaluated: 2026-06-15. Review status: criteria provided, single submitter. Criteria: LabCorp Variant Classification Summary - May 2015. Collection method: clinical testing. Allele origin: germline.
Comment: Variant summary: BBS4 c.1448C>T (p.Ser483Leu) results in a non-conservative amino acid change in the encoded protein sequence. Algorithms developed to predict the effect of missense changes on protein structure and function are either unavailable or do not agree on the potential impact of this missense change. Consensus agreement among computation tools predict no significant impact on normal splicing. However, these predictions have yet to be confirmed by functional studies. The variant was absent in 251026 control chromosomes. The available data on variant occurrences in the general population are insufficient to allow any conclusion about variant significance. To our knowledge, no occurrence of c.1448C>T in individuals affected with BBS4-related conditions and no experimental evidence demonstrating its impact on protein function have been reported. ClinVar contains an entry for this variant (Variation ID: 3351562). Based on the evidence outlined above, the variant was classified as uncertain significance.

Labcorp Genetics (formerly Invitae), Labcorp
Classification: Uncertain significance for Bardet-Biedl syndrome. Last evaluated: 2025-12-06. Review status: criteria provided, single submitter. Criteria: Invitae Variant Classification Sherloc (09022015). Collection method: clinical testing. Allele origin: germline.
Comment: This sequence change replaces serine, which is neutral and polar, with leucine, which is neutral and non-polar, at codon 483 of the BBS4 protein (p.Ser483Leu). This variant is present in population databases (no rsID available, gnomAD 0.01%). This variant has not been reported in the literature in individuals affected with BBS4-related conditions. ClinVar contains an entry for this variant (Variation ID: 3351562). An algorithm developed to predict the effect of missense changes on protein structure and function (PolyPhen-2) suggests that this variant is likely to be tolerated. Algorithms developed to predict the effect of sequence changes on RNA splicing suggest that this variant may disrupt the consensus splice site. In summary, the available evidence is currently insufficient to determine the role of this variant in disease. Therefore, it has been classified as a Variant of Uncertain Significance.

PreventionGenetics, part of Exact Sciences
Classification: Uncertain significance for BBS4-related condition. Last evaluated: 2024-03-05. Review status: no assertion criteria provided. Collection method: clinical testing. Allele origin: germline. Not counted in ClinVar's aggregate classification.
Comment: The BBS4 c.1448C>T variant is predicted to result in the amino acid substitution p.Ser483Leu. To our knowledge, this variant has not been reported in the literature. This variant is reported in 0.011% of alleles in individuals of African descent in gnomAD. At this time, the clinical significance of this variant is uncertain due to the absence of conclusive functional and genetic evidence.

NM_033028.5(BBS4):c.1448C>T (p.Ser483Leu)

Gene: BBS4 (Bardet-Biedl syndrome 4; plus strand). Cytogenetic location: 15q24.1.
Variant type: single nucleotide variant.
Coding change: c.1448C>T on transcript NM_033028.5 (MANE Select); coding-DNA position 1448, C replaced by T.
Protein change: p.Ser483Leu; replaces serine 483 with leucine.
Molecular consequence: missense variant. On other transcripts: non-coding transcript variant (2).
Genome position (GRCh38, 1-based): chr15:72,736,961, C>T. VCF-style: chr15-72736961-C-T. GRCh37 (hg19) VCF-style: chr15-73029302-C-T.
Other names: c.932C>T, p.Ser311Leu (NM_001252678.2); c.1379C>T, p.Ser460Leu (NM_001320665.2); short protein forms S311L, S460L, S483L.
Identifiers: ClinVar variation 3351562 (VCV003351562.3).